The following is an entry in ClinVar:

ClinVar aggregate classification (germline): Likely benign. Review status: criteria provided, multiple submitters, no conflicts (2 of 4 stars). 2 submissions from 2 submitters: Likely benign (2). Last evaluated 2025-08-28.

Conditions:
CEP290-related disorder. Also called: CEP290-related disorders; CEP290-related condition. Identifiers: MedGen CN239314.
Meckel-Gruber syndrome. Also called: Dysencephalia splachnocystica; DYSENCEPHALIA SPLANCHNOCYSTICA; GRUBER SYNDROME. Identifiers: Orphanet 564, MedGen C0265215, MONDO:0018921.
Joubert syndrome. Also called: Familial aplasia of the vermis; JOUBERT-BOLTSHAUSER SYNDROME. Identifiers: Orphanet 475, MedGen C5979921, MONDO:0018772.
Nephronophthisis. Also called: Juvenile Nephronophthisis. Identifiers: Orphanet 655, MedGen C0687120, MONDO:0019005, HP:0000090.

Allele frequency attached by ClinVar (database versions not stated): gnomAD exomes below 0.00001; TOPMed 0.00001; gnomAD 0.00002.
gnomAD v4.1: 4 of 1,594,660 alleles (0.00025%); highest among the groups gnomAD compares: African/African-American, 0.004%; no homozygotes.

Submissions (2):

PreventionGenetics, part of Exact Sciences
Classification: Likely benign for CEP290-related condition. Last evaluated: 2025-08-28. Review status: criteria provided, single submitter. Criteria: ACMG Guidelines, 2015. Collection method: clinical testing. Allele origin: germline.
Comment: This variant is classified as likely benign based on ACMG/AMP sequence variant interpretation guidelines (Richards et al. 2015 PMID: 25741868, with internal and published modifications).

Labcorp Genetics (formerly Invitae), Labcorp
Classification: Likely benign for Joubert syndrome; Meckel-Gruber syndrome; Nephronophthisis. Last evaluated: 2023-01-17. Review status: criteria provided, single submitter. Criteria: Invitae Variant Classification Sherloc (09022015). Collection method: clinical testing. Allele origin: germline.

NM_025114.4(CEP290):c.6011+8A>G

Gene: CEP290 (centrosomal protein 290; minus strand). Cytogenetic location: 12q21.32.
Variant type: single nucleotide variant.
Coding change: c.6011+8A>G on transcript NM_025114.4 (MANE Select); 8 bases into the intron after coding-DNA position 6011, A replaced by G.
Molecular consequence: intron variant.
Genome position (GRCh38, 1-based): chr12:88,071,286, T>C on the plus strand (A>G on the coding strand, the complement: CEP290 is on the minus strand). VCF-style: chr12-88071286-T-C. GRCh37 (hg19) VCF-style: chr12-88465063-T-C.
Other names: c.6011+8A>G (NM_025114.3).
Identifiers: ClinVar variation 2926768 (VCV002926768.4), dbSNP rs1565811656, ClinGen allele CA606452791.
Genomic context (GRCh38, chr12:88,071,286, plus strand): 5'-ATTTCAATTTCTAGGGGTCAACCAGTTTTTCATTACAATGGGTGGCACATTTCCACATAA[T>C]AGCTTACCTCATATACAATATATCATTTTCTAAGTCAAGATTTCTCTTTTTTAATTCTTC-3'